The following is an entry in ClinVar:

ClinVar aggregate classification (germline): Pathogenic/Likely pathogenic. Review status: criteria provided, multiple submitters, no conflicts (2 of 4 stars). 4 submissions from 4 submitters: Pathogenic (2); Likely pathogenic (2). Last evaluated 2025-04-23.

Conditions:
Hereditary cancer-predisposing syndrome. Also called: Hereditary neoplastic syndrome; Hereditary Cancer Syndrome; Neoplastic Syndromes, Hereditary; Tumor predisposition. Identifiers: Orphanet 140162, MedGen C0027672, MeSH D009386, MONDO:0015356.
Familial adenomatous polyposis 1 (FAP1). Also called: FAMILIAL ADENOMATOUS POLYPOSIS 1, ATTENUATED; POLYPOSIS, ADENOMATOUS INTESTINAL. Identifiers: MedGen C2713442, MONDO:0021056, OMIM 175100. Disease mechanism: loss of function.

Submissions (4):

Labcorp Genetics (formerly Invitae), Labcorp
Classification: Pathogenic for Familial adenomatous polyposis 1. Last evaluated: 2025-04-23. Review status: criteria provided, single submitter. Criteria: Invitae Variant Classification Sherloc (09022015). Collection method: clinical testing. Allele origin: germline.
Comment: This sequence change affects an acceptor splice site in intron 3 of the APC gene. RNA analysis indicates that disruption of this splice site induces altered splicing and may result in an absent or altered protein product. This variant is not present in population databases (gnomAD no frequency). Disruption of this splice site has been observed in individual(s) with familial adenomatous polyposis (PMID: 19029688). This variant is also known as IVS3-1G>C. ClinVar contains an entry for this variant (Variation ID: 230154). Studies have shown that disruption of this splice site results in activation of a cryptic splice site, and produces a non-functional protein and/or introduces a premature termination codon (internal data). For these reasons, this variant has been classified as Pathogenic.

Baylor Genetics
Classification: Likely pathogenic for Familial adenomatous polyposis 1. Last evaluated: 2023-11-22. Review status: criteria provided, single submitter. Criteria: ACMG Guidelines, 2015. Collection method: clinical testing. Allele origin: unknown.

Myriad Genetics, Inc.
Classification: Likely pathogenic for Familial adenomatous polyposis 1. Last evaluated: 2023-04-25. Review status: criteria provided, single submitter. Criteria: Myriad Autosomal Dominant, Autosomal Recessive and X-Linked Classification Criteria (2023). Collection method: clinical testing. Allele origin: unknown.
Comment: This variant is considered likely pathogenic. This variant occurs within a consensus splice junction and is predicted to result in abnormal mRNA splicing of either an out-of-frame exon or an in-frame exon necessary for protein stability and/or normal function.

Ambry Genetics
Classification: Pathogenic for Hereditary cancer-predisposing syndrome. Last evaluated: 2020-08-06. Review status: criteria provided, single submitter. Criteria: Ambry Variant Classification Scheme 2023. Collection method: clinical testing. Allele origin: germline.
Comment: The c.221-1G>C intronic variant results from a G to C substitution one nucleotide upstream from coding exon 3 of the APC gene. This nucleotide position is highly conserved in available vertebrate species. In silico splice site analysis predicts that this alteration will weaken the native splice acceptor site and will result in the creation or strengthening of a novel splice acceptor site. This variant was not reported in population-based cohorts in the Genome Aggregation Database (gnomAD). Another alteration impacting the same acceptor site (c.221-1G>A) has been detected in individuals with FAP/AFAP (Woods MO et al. Gut, 2010 Oct;59:1369-77; Ambry internal data). Alterations that disrupt the canonical splice site are expected to cause aberrant splicing, resulting in an abnormal protein or a transcript that is subject to nonsense-mediated mRNA decay. Based on the supporting evidence, this alteration is interpreted as a disease-causing mutation.

Literature cited by the submitters: PubMed 19029688 (cited by Labcorp Genetics (formerly Invitae), Labcorp).

NM_000038.6(APC):c.221-1G>C

Gene: APC (APC regulator of Wnt signaling pathway; plus strand). Cytogenetic location: 5q22.2.
Variant type: single nucleotide variant.
Coding change: c.221-1G>C on transcript NM_000038.6 (MANE Select); the canonical splice acceptor site of the intron before coding-DNA position 221, G replaced by C.
Molecular consequence: splice acceptor variant.
Genome position (GRCh38, 1-based): chr5:112,767,188, G>C. VCF-style: chr5-112767188-G-C. GRCh37 (hg19) VCF-style: chr5-112102885-G-C.
Other names: c.-815-1G>C (NM_001407470.1, NM_001407472.1, NM_001354906.2 and 1 more transcripts); c.221-1G>C (NM_001407447.1, NM_001354895.2, NM_001407456.1 and 16 more transcripts); c.251-1G>C (NM_001407446.1, NM_001354897.2, NM_001354902.2 and 1 more transcripts); c.44-1G>C (NM_001407453.1, NM_001354900.2, NM_001354901.2 and 1 more transcripts); c.146-1G>C (NM_001407451.1, NM_001354898.2, NM_001354904.2).
Identifiers: ClinVar variation 230154 (VCV000230154.17), dbSNP rs863225327, ClinGen allele CA10578285.
Genomic context (GRCh38, chr5:112,767,188, plus strand): 5'-AAGAATATTTTAGACTGCTTAAAGCAATTGTTGTATAAAAACTTGTTTCTATTTTATTTA[G>C]AGCTTAACTTAGATAGCAGTAATTTCCCTGGAGTAAAACTGCGGTCAAAAATGTCCCTCC-3'